The following is an entry in ClinVar:

NM_015662.3(IFT172):c.3213G>A (p.Trp1071Ter)

Gene: IFT172 (intraflagellar transport 172; minus strand). Cytogenetic location: 2p23.3.
Variant type: single nucleotide variant.
Coding change: c.3213G>A on transcript NM_015662.3 (MANE Select); coding-DNA position 3213, G replaced by A.
Protein change: p.Trp1071Ter; replaces tryptophan 1071 with a stop codon.
Molecular consequence: nonsense.
Genome position (GRCh38, 1-based): chr2:27,457,654, C>T on the plus strand (G>A on the coding strand, the complement: IFT172 is on the minus strand). VCF-style: chr2-27457654-C-T. GRCh37 (hg19) VCF-style: chr2-27680521-C-T.
Other names: c.3147G>A, p.Trp1049Ter (NM_001410739.1); short protein forms W1049*, W1071*.
Identifiers: ClinVar variation 2632543 (VCV002632543.1), dbSNP rs2465853379, ClinGen allele CA346379922.
Genomic context (GRCh38, chr2:27,457,654, plus strand): 5'-GAAAGAAGGATGGATGTATCCCTCAGTGTGGCCTGAACTCCTTACCCTGTAGGCCTCTTC[C>T]CAAAGCCCACTGGCCCGGTACATGTTCACTGTTGCCTTCCATTCCTGGGCCTCGAGGTAG-3'

ClinVar aggregate classification (germline): Likely pathogenic (1 of 4 stars; one submission).

Conditions:
IFT172-related disorder. Also called: IFT172-related condition; IFT172-related disorders.

Allele frequency attached by ClinVar (database versions not stated): gnomAD exomes below 0.00001.
gnomAD v4.1: 2 of 1,614,090 alleles (0.00012%); highest among the groups gnomAD compares: Non-Finnish European, 0.00017%; no homozygotes.

Submission:

PreventionGenetics, part of Exact Sciences
Classification: Likely pathogenic for IFT172-related condition. Last evaluated: 2023-05-20. Review status: criteria provided, single submitter. Criteria: ACMG Guidelines, 2015. Collection method: clinical testing. Allele origin: germline.
Comment: The IFT172 c.3213G>A variant is predicted to result in premature protein termination (p.Trp1071*). To our knowledge, this variant has not been reported in the literature or in a large population database, indicating this variant is rare. Nonsense variants in IFT172 are expected to be pathogenic. This variant is interpreted as likely pathogenic.